The following is an entry in ClinVar:

ClinVar aggregate classification (germline): Uncertain significance (1 of 4 stars; one submission).

Submission:

Labcorp Genetics (formerly Invitae), Labcorp
Classification: Uncertain significance. Last evaluated: 2025-08-11. Review status: criteria provided, single submitter. Criteria: Invitae Variant Classification Sherloc (09022015). Collection method: clinical testing. Allele origin: germline.
Comment: This sequence change replaces proline, which is neutral and non-polar, with leucine, which is neutral and non-polar, at codon 728 of the CPLANE1 protein (p.Pro728Leu). This variant is not present in population databases (gnomAD no frequency). This variant has not been reported in the literature in individuals affected with CPLANE1-related conditions. ClinVar contains an entry for this variant (Variation ID: 1998011). Invitae Evidence Modeling of protein sequence and biophysical properties (such as structural, functional, and spatial information, amino acid conservation, physicochemical variation, residue mobility, and thermodynamic stability) has been performed for this missense variant. However, the output from this modeling did not meet the statistical confidence thresholds required to predict the impact of this variant on CPLANE1 protein function. Algorithms developed to predict the effect of sequence changes on RNA splicing suggest that this variant may create or strengthen a splice site. In summary, the available evidence is currently insufficient to determine the role of this variant in disease. Therefore, it has been classified as a Variant of Uncertain Significance.

NM_001384732.1(CPLANE1):c.2183C>T (p.Pro728Leu)

Gene: CPLANE1 (ciliogenesis and planar polarity effector complex subunit 1; minus strand). Cytogenetic location: 5p13.2.
Variant type: single nucleotide variant.
Coding change: c.2183C>T on transcript NM_001384732.1 (MANE Select); coding-DNA position 2183, C replaced by T.
Protein change: p.Pro728Leu; replaces proline 728 with leucine.
Molecular consequence: missense variant.
Genome position (GRCh38, 1-based): chr5:37,226,412, G>A on the plus strand (C>T on the coding strand, the complement: CPLANE1 is on the minus strand). VCF-style: chr5-37226412-G-A. GRCh37 (hg19) VCF-style: chr5-37226514-G-A.
Other names: c.2183C>T, p.Pro728Leu (NM_023073.4); short protein forms P728L.
Identifiers: ClinVar variation 1998011 (VCV001998011.4), dbSNP rs2548578049, ClinGen allele CA359495398.